The following is an entry in ClinVar:

NM_002878.4(RAD51D):c.-28C>T

Genes: RAD51D (RAD51 paralog D; minus strand), RAD51L3-RFFL (RAD51L3-RFFL readthrough; minus strand). Cytogenetic location: 17q12.
Variant type: single nucleotide variant.
Coding change: c.-28C>T on transcript NM_002878.4 (MANE Select); 28 bases upstream of the start codon, C replaced by T.
Molecular consequence: 5 prime UTR variant. On other transcripts: non-coding transcript variant (2).
Genome position (GRCh38, 1-based): chr17:35,119,641, G>A on the plus strand (C>T on the coding strand, the complement: RAD51D is on the minus strand). VCF-style: chr17-35119641-G-A. GRCh37 (hg19) VCF-style: chr17-33446660-G-A.
Other names: c.-28C>T (NM_001142571.2, NM_133629.3).
Identifiers: ClinVar variation 381992 (VCV000381992.1), dbSNP rs375452513, ClinGen allele CA16607214.

ClinVar aggregate classification (germline): Likely benign (1 of 4 stars; one submission).

Allele frequency attached by ClinVar (database versions not stated): gnomAD exomes below 0.00001; ESP Exome Variant Server 0.00008.

Submission:

GeneDx
Classification: Likely benign. Last evaluated: 2015-12-02. Review status: criteria provided, single submitter. Criteria: GeneDx Variant Classification (06012015). Collection method: clinical testing. Allele origin: germline. Affected: yes.
Comment: This variant is considered likely benign or benign based on one or more of the following criteria: it is a conservative change, it occurs at a poorly conserved position in the protein, it is predicted to be benign by multiple in silico algorithms, and/or has population frequency not consistent with disease.